The following is an entry in ClinVar:

NM_004320.6(ATP2A1):c.1858C>T (p.Arg620Trp)

Gene: ATP2A1 (ATPase sarcoplasmic/endoplasmic reticulum Ca2+ transporting 1; plus strand). Cytogenetic location: 16p11.2.
Variant type: single nucleotide variant.
Coding change: c.1858C>T on transcript NM_004320.6 (MANE Select); coding-DNA position 1858, C replaced by T.
Protein change: p.Arg620Trp; replaces arginine 620 with tryptophan.
Molecular consequence: missense variant.
Genome position (GRCh38, 1-based): chr16:28,900,674, C>T. VCF-style: chr16-28900674-C-T. GRCh37 (hg19) VCF-style: chr16-28911995-C-T.
Other names: c.1483C>T, p.Arg495Trp (NM_001286075.2); c.1858C>T, p.Arg620Trp (NM_173201.5); short protein forms R620W, R495W.
Identifiers: ClinVar variation 446879 (VCV000446879.2), dbSNP rs755589524, ClinGen allele CA7987104.
Genomic context (GRCh38, chr16:28,900,674, plus strand): 5'-CTGGACCCTCCGCGCAAGGAGGTCACGGGCTCCATCCAGCTGTGCCGTGACGCCGGGATC[C>T]GGGTGATCATGATCACTGGGGACAACAAGGGCACAGCCATTGCCATCTGCCGGCGAATTG-3'
Protein context (NP_004311.1, residues 610-630): SIQLCRDAGI[Arg620Trp]VIMITGDNKG

ClinVar aggregate classification (germline): Uncertain significance (1 of 4 stars; one submission).

Allele frequency attached by ClinVar (database versions not stated): gnomAD exomes 0.00001 and 0.00002; TOPMed 0.00002; gnomAD 0.00003; ExAC 0.00001.
gnomAD v4.1: 15 of 1,611,480 alleles (0.00093%); highest among the groups gnomAD compares: East Asian, 0.0045%; no homozygotes.

Submission:

Athena Diagnostics
Classification: Uncertain significance. Last evaluated: 2025-08-12. Review status: criteria provided, single submitter. Criteria: Athena Diagnostics Criteria. Collection method: clinical testing. Allele origin: unknown.
Comment: Available data are insufficient to determine the clinical significance of the variant at this time. The frequency of this variant in the general population is uninformative in assessment of its pathogenicity. Polyphen and MutationTaster predict this amino acid change may be damaging to the protein.